The following is an entry in ClinVar:

NM_001042492.3(NF1):c.7870-2A>C

Gene: NF1 (neurofibromin 1; plus strand). Cytogenetic location: 17q11.2.
Variant type: single nucleotide variant.
Coding change: c.7870-2A>C on transcript NM_001042492.3 (MANE Select); the canonical splice acceptor site of the intron before coding-DNA position 7870, A replaced by C.
Molecular consequence: splice acceptor variant.
Genome position (GRCh38, 1-based): chr17:31,357,267, A>C. VCF-style: chr17-31357267-A-C. GRCh37 (hg19) VCF-style: chr17-29684285-A-C.
Other names: c.7807-2A>C (NM_000267.4).
Identifiers: ClinVar variation 1357159 (VCV001357159.8), dbSNP rs2070296011, ClinGen allele CA399018744.
Genomic context (GRCh38, chr17:31,357,267, plus strand): 5'-ACAGATAACAATTCAGCCACAAAGTAAAAATGTTGTGTGTTTACTTTTTTGCATCTTGGC[A>C]GGCTACACTGGTAAAATATACCACAGATGAGTTTGATCAACGAATTCTTTATGAATACTT-3'

ClinVar aggregate classification (germline): Pathogenic (1 of 4 stars; one submission).

Conditions:
Neurofibromatosis, type 1 (NF1). Also called: NEUROFIBROMATOSIS, TYPE I, SOMATIC; VON RECKLINGHAUSEN DISEASE; Neurofibromatosis, type I; Peripheral type neurofibromatosis. Identifiers: Orphanet 636, MedGen C0027831, MONDO:0018975, OMIM 162200. Disease mechanism: loss of function.

Submission:

Labcorp Genetics (formerly Invitae), Labcorp
Classification: Pathogenic for Neurofibromatosis, type 1. Last evaluated: 2024-04-05. Review status: criteria provided, single submitter. Criteria: Invitae Variant Classification Sherloc (09022015). Collection method: clinical testing. Allele origin: germline.
Comment: This sequence change affects an acceptor splice site in intron 52 of the NF1 gene. It is expected to disrupt RNA splicing. Variants that disrupt the donor or acceptor splice site typically lead to a loss of protein function (PMID: 16199547), and loss-of-function variants in NF1 are known to be pathogenic (PMID: 10712197, 23913538). This variant is not present in population databases (gnomAD no frequency). Disruption of this splice site has been observed in individual(s) with clinical features of neurofibromatosis type 1 (Invitae). ClinVar contains an entry for this variant (Variation ID: 1357159). Algorithms developed to predict the effect of sequence changes on RNA splicing suggest that this variant may disrupt the consensus splice site. For these reasons, this variant has been classified as Pathogenic.

Literature cited by the submitters: PubMed 16199547; PubMed 10712197; PubMed 23913538.